The following is an entry in ClinVar:

ClinVar aggregate classification (germline): Pathogenic/Likely pathogenic. Review status: criteria provided, multiple submitters, no conflicts (2 of 4 stars). 3 submissions from 3 submitters: Pathogenic (2); Likely pathogenic (1). Last evaluated 2025-09-19.

Conditions:
GRM6-related disorders.
Congenital stationary night blindness 1B. Also called: NIGHT BLINDNESS, CONGENITAL STATIONARY, COMPLETE, AUTOSOMAL RECESSIVE; Night blindness, congenital stationary (complete), 1B, autosomal recessive. Identifiers: Orphanet 215, MedGen C1850362, MONDO:0009758, OMIM 257270.

Submissions (3):

First Genomix Gene Laboratory, Genetic Diagnostics Department
Classification: Pathogenic for Congenital stationary night blindness 1B. Last evaluated: 2025-09-19. Review status: criteria provided, single submitter. Criteria: ACMG Guidelines, 2015. Collection method: clinical testing. Allele origin: germline. Inheritance: Autosomal recessive inheritance. Affected: no. Observed: 1 variant allele.

Labcorp Genetics (formerly Invitae), Labcorp
Classification: Pathogenic. Last evaluated: 2025-01-01. Review status: criteria provided, single submitter. Criteria: Invitae Variant Classification Sherloc (09022015). Collection method: clinical testing. Allele origin: germline.
Comment: This sequence change creates a premature translational stop signal (p.Gln59Alafs*10) in the GRM6 gene. It is expected to result in an absent or disrupted protein product. Loss-of-function variants in GRM6 are known to be pathogenic (PMID: 15781871, 16622103, 22008250). This variant is not present in population databases (gnomAD no frequency). This variant has not been reported in the literature in individuals affected with GRM6-related conditions. ClinVar contains an entry for this variant (Variation ID: 1075954). For these reasons, this variant has been classified as Pathogenic.

Blueprint Genetics
Classification: Likely pathogenic for GRM6-related disorders. Last evaluated: 2021-05-26. Review status: criteria provided, single submitter. Criteria: ACMG Guidelines, 2015. Collection method: clinical testing. Allele origin: germline. Affected: yes. Observed: 1 variant allele.

Literature cited by the submitters: PubMed 15781871 (cited by Labcorp Genetics (formerly Invitae), Labcorp); PubMed 16622103 (cited by Labcorp Genetics (formerly Invitae), Labcorp); PubMed 22008250 (cited by Labcorp Genetics (formerly Invitae), Labcorp).

NM_000843.4(GRM6):c.152_174dup (p.Gln59fs)

Gene: GRM6 (glutamate metabotropic receptor 6; minus strand). Cytogenetic location: 5q35.3.
Variant type: Duplication.
Coding change: c.152_174dup on transcript NM_000843.4 (MANE Select); coding-DNA positions 152 to 174, 23 bases duplicated (GCGCGGCGGGCCGGGCGTGCGGG).
Protein change: p.Gln59fs; shifts the reading frame from glutamine 59.
Molecular consequence: frameshift variant.
Genome position (GRCh38, 1-based): chr5:178,994,771-178,994,793, CCCGCACGCCCGGCCCGCCGCGC duplicated on the plus strand (GCGCGGCGGGCCGGGCGTGCGGG on the coding strand, the reverse complement: GRM6 is on the minus strand); duplicating any 23 consecutive bases within chr5:178,994,771-178,994,798 gives the same sequence; the c. name uses the placement nearest the transcript's 3' end. VCF-style (leftmost placement, unchanged base first): chr5-178994770-G-GCCCGCACGCCCGGCCCGCCGCGC. GRCh37 (hg19) VCF-style: chr5-178421771-G-GCCCGCACGCCCGGCCCGCCGCGC.
Other names: short protein forms Q59fs.
Identifiers: ClinVar variation 1075954 (VCV001075954.8), dbSNP rs1760743459, ClinGen allele CA1084975893.
Genomic context (GRCh38, chr5:178,994,770, plus strand): 5'-CGCGGTCCAGCGCGTACAGCATGGCCTCCAGCCGGTGCACGCCCTGCTCCTTCTTCAGCT[G>GCCCGCACGCCCGGCCCGCCGCGC]CCCGCACGCCCGGCCCGCCGCGCCCCGCGCGTGCACCGGGAACAGGCCGCCCAGCGTCAG-3'